The following is an entry in ClinVar:

NM_001034853.2(RPGR):c.3009_3038del (p.Gly1005_Glu1014del)

Gene: RPGR (retinitis pigmentosa GTPase regulator; minus strand). Cytogenetic location: Xp11.4.
Variant type: Deletion.
Coding change: c.3009_3038del on transcript NM_001034853.2 (MANE Select); coding-DNA positions 3009 to 3038, 30 bases deleted (AGAGGGAGAGGAAGAAGGGGAGGGAGAAGG).
Protein change: p.Gly1005_Glu1014del.
Molecular consequence: intron variant (on NM_001367249.1).
Genome position (GRCh38, 1-based): chrX:38,285,961-38,285,990, CCTTCTCCCTCCCCTTCTTCCTCTCCCTCT deleted on the plus strand (AGAGGGAGAGGAAGAAGGGGAGGGAGAAGG on the coding strand, the reverse complement: RPGR is on the minus strand); deleting any 30 consecutive bases within chrX:38,285,961-38,285,996 gives the same sequence; the c. name uses the placement nearest the transcript's 3' end. VCF-style (leftmost placement, unchanged base first): chrX-38285960-CCCTTCTCCCTCCCCTTCTTCCTCTCCCTCT-C. GRCh37 (hg19) VCF-style: chrX-38145213-CCCTTCTCCCTCCCCTTCTTCCTCTCCCTCT-C.
Other names: c.1569+4969_1569+4998del (NM_001367249.1, NM_001367250.1); c.1902+1104_1902+1133del (NM_001367245.1); c.1386+4969_1386+4998del (NM_001367251.1); c.1719+1104_1719+1133del (NM_001367246.1); c.1572+4969_1572+4998del (NM_001367247.1); c.1905+1104_1905+1133del (NM_000328.3); c.1602+4969_1602+4998del (NM_001367248.1).
Identifiers: ClinVar variation 3672042 (VCV003672042.2).

ClinVar aggregate classification (germline): Uncertain significance (1 of 4 stars; one submission).

Conditions:
Primary ciliary dyskinesia. Also called: Ciliary dyskinesia. Identifiers: Orphanet 244, MedGen C0008780, MONDO:0016575, HP:0012265.

Submission:

Labcorp Genetics (formerly Invitae), Labcorp
Classification: Uncertain significance for Primary ciliary dyskinesia. Last evaluated: 2026-01-26. Review status: criteria provided, single submitter. Criteria: Invitae Variant Classification Sherloc (09022015). Collection method: clinical testing. Allele origin: germline.
Comment: This variant, c.3009_3038del, results in the deletion of 10 amino acid(s) of the RPGR (ORF15) protein (p.Gly1005_Glu1014del), but otherwise preserves the integrity of the reading frame. The frequency data for this variant in the population databases is considered unreliable, as metrics indicate poor data quality at this position in the gnomAD database. This variant has not been reported in the literature in individuals affected with RPGR (ORF15)-related conditions. ClinVar contains an entry for this variant (Variation ID: 3672042). Experimental studies and prediction algorithms are not available or were not evaluated, and the functional significance of this variant is currently unknown. In summary, the available evidence is currently insufficient to determine the role of this variant in disease. Therefore, it has been classified as a Variant of Uncertain Significance.